The following is an entry in ClinVar:

ClinVar aggregate classification (germline): Uncertain significance (1 of 4 stars; one submission).

Conditions:
Renal dysplasia, cystic, susceptibility to. Identifiers: MedGen C3275898, MONDO:0011037, OMIM 601331.

Submission:

MVZ Medizinische Genetik Mainz
Classification: Uncertain significance for Renal dysplasia, cystic, susceptibility to. Last evaluated: 2023-04-26. Review status: criteria provided, single submitter. Criteria: UK Practice Guidelines For Variant Classification V4 01 2020. Collection method: clinical testing. Allele origin: germline. Inheritance: Autosomal dominant inheritance. Affected: yes. Observed: 1 variant allele.
Comment: ACMG Criteria: PVS1_MOD,PM2_SUP

NM_001080512.3(BICC1):c.600+1G>A

Gene: BICC1 (BicC family RNA binding protein 1; plus strand). Cytogenetic location: 10q21.1.
Variant type: single nucleotide variant.
Coding change: c.600+1G>A on transcript NM_001080512.3 (MANE Select); the canonical splice donor site of the intron after coding-DNA position 600, G replaced by A.
Molecular consequence: splice donor variant.
Genome position (GRCh38, 1-based): chr10:58,788,424, G>A. VCF-style: chr10-58788424-G-A. GRCh37 (hg19) VCF-style: chr10-60548184-G-A.
Identifiers: ClinVar variation 3234034 (VCV003234034.1), dbSNP rs2493764636, ClinGen allele CA376968528.